The following is an entry in ClinVar:

ClinVar aggregate classification (germline): Conflicting classifications of pathogenicity. Review status: criteria provided, conflicting classifications (1 of 4 stars). 3 submissions from 3 submitters: Uncertain significance (2); Likely benign (1). Last evaluated 2026-07-01.

Conditions:
RAI1-related disorder. Also called: RAI1-related condition.

Allele frequency attached by ClinVar (database versions not stated): gnomAD 0.00001; ExAC 0.00002; 1000 Genomes Project 0.00020; 1000 Genomes Project 30x 0.00031.
gnomAD v4.1: 11 of 1,584,532 alleles (0.00069%); highest among the groups gnomAD compares: East Asian, 0.0023%; no homozygotes.

Submissions (3):

CeGaT Center for Human Genetics Tuebingen
Classification: Likely benign. Last evaluated: 2026-07-01. Review status: criteria provided, single submitter. Criteria: CeGaT Center For Human Genetics Tuebingen Variant Classification Criteria Version 2. Collection method: clinical testing. Allele origin: germline. Affected: yes. Observed: 1 variant allele.
Comment: RAI1: BP4

PreventionGenetics, part of Exact Sciences
Classification: Uncertain significance for RAI1-related condition. Last evaluated: 2024-12-12. Review status: criteria provided, single submitter. Criteria: ACMG Guidelines, 2015. Collection method: clinical testing. Allele origin: germline.
Comment: The RAI1 c.2524C>T variant is predicted to result in the amino acid substitution p.Arg842Trp. To our knowledge, this variant has not been reported in the literature. This variant is reported in 0.0012% of alleles in individuals of European (Non-Finnish) descent in gnomAD. At this time, the clinical significance of this variant is uncertain due to the absence of conclusive functional and genetic evidence.

Labcorp Genetics (formerly Invitae), Labcorp
Classification: Uncertain significance. Last evaluated: 2023-12-28. Review status: criteria provided, single submitter. Criteria: Invitae Variant Classification Sherloc (09022015). Collection method: clinical testing. Allele origin: germline.
Comment: This sequence change replaces arginine, which is basic and polar, with tryptophan, which is neutral and slightly polar, at codon 842 of the RAI1 protein (p.Arg842Trp). This variant is not present in population databases (gnomAD no frequency). This variant has not been reported in the literature in individuals affected with RAI1-related conditions. Advanced modeling of protein sequence and biophysical properties (such as structural, functional, and spatial information, amino acid conservation, physicochemical variation, residue mobility, and thermodynamic stability) performed at Invitae indicates that this missense variant is expected to disrupt RAI1 protein function with a positive predictive value of 80%. In summary, the available evidence is currently insufficient to determine the role of this variant in disease. Therefore, it has been classified as a Variant of Uncertain Significance.

NM_030665.4(RAI1):c.2524C>T (p.Arg842Trp)

Gene: RAI1 (retinoic acid induced 1; plus strand). Cytogenetic location: 17p11.2.
Variant type: single nucleotide variant.
Coding change: c.2524C>T on transcript NM_030665.4 (MANE Select); coding-DNA position 2524, C replaced by T.
Protein change: p.Arg842Trp; replaces arginine 842 with tryptophan.
Molecular consequence: missense variant.
Genome position (GRCh38, 1-based): chr17:17,795,472, C>T. VCF-style: chr17-17795472-C-T. GRCh37 (hg19) VCF-style: chr17-17698786-C-T.
Other names: c.2524C>T (NM_030665.3); short protein forms R842W.
Identifiers: ClinVar variation 2713129 (VCV002713129.6), dbSNP rs538101375, ClinGen allele CA8418555.